The following is an entry in ClinVar:

NM_000179.3(MSH6):c.2000A>T (p.Asp667Val)

Gene: MSH6 (mutS homolog 6; plus strand). Cytogenetic location: 2p16.3.
Variant type: single nucleotide variant.
Coding change: c.2000A>T on transcript NM_000179.3 (MANE Select); coding-DNA position 2000, A replaced by T.
Protein change: p.Asp667Val; replaces aspartic acid 667 with valine.
Molecular consequence: missense variant.
Genome position (GRCh38, 1-based): chr2:47,799,983, A>T. VCF-style: chr2-47799983-A-T. GRCh37 (hg19) VCF-style: chr2-48027122-A-T.
Other names: c.2000A>T (NM_000179.2); c.1610A>T, p.Asp537Val (NM_001281492.2); c.1094A>T, p.Asp365Val (NM_001281493.2, NM_001281494.2); short protein forms D365V, D537V, D667V.
Identifiers: ClinVar variation 1389492 (VCV001389492.10), dbSNP rs2104381654, ClinGen allele CA346750663.

ClinVar aggregate classification (germline): Uncertain significance. Review status: criteria provided, multiple submitters, no conflicts (2 of 4 stars). 2 submissions from 2 submitters: Uncertain significance (2). Last evaluated 2023-06-27.

Conditions:
Hereditary nonpolyposis colorectal neoplasms. Identifiers: MedGen C0009405, MeSH D003123.
Hereditary cancer-predisposing syndrome. Also called: Neoplastic Syndromes, Hereditary; Tumor predisposition; Hereditary neoplastic syndrome; Hereditary Cancer Syndrome. Identifiers: Orphanet 140162, MedGen C0027672, MeSH D009386, MONDO:0015356.

Submissions (2):

Ambry Genetics
Classification: Uncertain significance for Hereditary cancer-predisposing syndrome. Last evaluated: 2023-06-27. Review status: criteria provided, single submitter. Criteria: Ambry Variant Classification Scheme 2023. Collection method: clinical testing. Allele origin: germline.
Comment: The p.D667V variant (also known as c.2000A>T), located in coding exon 4 of the MSH6 gene, results from an A to T substitution at nucleotide position 2000. The aspartic acid at codon 667 is replaced by valine, an amino acid with highly dissimilar properties. This amino acid position is conserved. In addition, this alteration is predicted to be deleterious by in silico analysis. Since supporting evidence is limited at this time, the clinical significance of this alteration remains unclear.

Labcorp Genetics (formerly Invitae), Labcorp
Classification: Uncertain significance for Hereditary nonpolyposis colorectal neoplasms. Last evaluated: 2021-04-22. Review status: criteria provided, single submitter. Criteria: Invitae Variant Classification Sherloc (09022015). Collection method: clinical testing. Allele origin: germline.
Comment: Advanced modeling of protein sequence and biophysical properties (such as structural, functional, and spatial information, amino acid conservation, physicochemical variation, residue mobility, and thermodynamic stability) performed at Invitae indicates that this missense variant is expected to disrupt MSH6 protein function. This variant has not been reported in the literature in individuals with MSH6-related conditions. This variant is not present in population databases (ExAC no frequency). This sequence change replaces aspartic acid with valine at codon 667 of the MSH6 protein (p.Asp667Val). The aspartic acid residue is highly conserved and there is a large physicochemical difference between aspartic acid and valine. In summary, the available evidence is currently insufficient to determine the role of this variant in disease. Therefore, it has been classified as a Variant of Uncertain Significance.